The following is an entry in ClinVar:

NM_015450.3(POT1):c.796C>G (p.His266Asp)

Gene: POT1 (protection of telomeres 1; minus strand). Cytogenetic location: 7q31.33.
Variant type: single nucleotide variant.
Coding change: c.796C>G on transcript NM_015450.3 (MANE Select); coding-DNA position 796, C replaced by G.
Protein change: p.His266Asp; replaces histidine 266 with aspartic acid.
Molecular consequence: missense variant. On other transcripts: non-coding transcript variant (3).
Genome position (GRCh38, 1-based): chr7:124,853,045, G>C on the plus strand (C>G on the coding strand, the complement: POT1 is on the minus strand). VCF-style: chr7-124853045-G-C. GRCh37 (hg19) VCF-style: chr7-124493099-G-C.
Other names: c.403C>G, p.His135Asp (NM_001042594.2); short protein forms H266D, H135D.
Identifiers: ClinVar variation 1513834 (VCV001513834.6), dbSNP rs2116504827, ClinGen allele CA369055424.

ClinVar aggregate classification (germline): Uncertain significance (1 of 4 stars; one submission).

Conditions:
Tumor predisposition syndrome 3 (TPDS3). Also called: Glioma susceptibility 9; LONG TELOMERE SYNDROME, POT1-RELATED; POT1 Tumor Predisposition; Melanoma, cutaneous malignant, susceptibility to, 10. Identifiers: Orphanet 618, MedGen C4014476, MONDO:0014368, OMIM 615848.

Submission:

Labcorp Genetics (formerly Invitae), Labcorp
Classification: Uncertain significance for Tumor predisposition syndrome 3. Last evaluated: 2021-08-19. Review status: criteria provided, single submitter. Criteria: Invitae Variant Classification Sherloc (09022015). Collection method: clinical testing. Allele origin: germline.
Comment: In summary, the available evidence is currently insufficient to determine the role of this variant in disease. Therefore, it has been classified as a Variant of Uncertain Significance. Algorithms developed to predict the effect of missense changes on protein structure and function (SIFT, PolyPhen-2, Align-GVGD) all suggest that this variant is likely to be disruptive. This variant has not been reported in the literature in individuals affected with POT1-related conditions. This variant is not present in population databases (ExAC no frequency). This sequence change replaces histidine with aspartic acid at codon 266 of the POT1 protein (p.His266Asp). The histidine residue is highly conserved and there is a moderate physicochemical difference between histidine and aspartic acid.